The following is an entry in ClinVar:

ClinVar aggregate classification (germline): Uncertain significance (1 of 4 stars; one submission).

Conditions:
Multiple congenital anomalies-hypotonia-seizures syndrome 2 (MCAHS2). Also called: EPILEPTIC ENCEPHALOPATHY, EARLY INFANTILE, 20; GLYCOSYLPHOSPHATIDYLINOSITOL BIOSYNTHESIS DEFECT 4. Identifiers: Orphanet 300496, MedGen C3275508, MONDO:0010466, OMIM 300868.

Submission:

Labcorp Genetics (formerly Invitae), Labcorp
Classification: Uncertain significance for Multiple congenital anomalies-hypotonia-seizures syndrome 2. Last evaluated: 2022-05-19. Review status: criteria provided, single submitter. Criteria: Invitae Variant Classification Sherloc (09022015). Collection method: clinical testing. Allele origin: germline.
Comment: This sequence change replaces threonine, which is neutral and polar, with serine, which is neutral and polar, at codon 144 of the PIGA protein (p.Thr144Ser). This variant is not present in population databases (gnomAD no frequency). This variant has not been reported in the literature in individuals affected with PIGA-related conditions. Algorithms developed to predict the effect of missense changes on protein structure and function are either unavailable or do not agree on the potential impact of this missense change (SIFT: "Tolerated"; PolyPhen-2: "Possibly Damaging"; Align-GVGD: "Class C0"). In summary, the available evidence is currently insufficient to determine the role of this variant in disease. Therefore, it has been classified as a Variant of Uncertain Significance.

NM_002641.4(PIGA):c.430A>T (p.Thr144Ser)

Gene: PIGA (phosphatidylinositol glycan anchor biosynthesis class A; minus strand). Cytogenetic location: Xp22.2.
Variant type: single nucleotide variant.
Coding change: c.430A>T on transcript NM_002641.4 (MANE Select); coding-DNA position 430, A replaced by T.
Protein change: p.Thr144Ser; replaces threonine 144 with serine.
Molecular consequence: missense variant. On other transcripts: intron variant (1).
Genome position (GRCh38, 1-based): chrX:15,331,501, T>A on the plus strand (A>T on the coding strand, the complement: PIGA is on the minus strand). VCF-style: chrX-15331501-T-A. GRCh37 (hg19) VCF-style: chrX-15349623-T-A.
Other names: c.13+4000A>T (NM_020473.3); short protein forms T144S.
Identifiers: ClinVar variation 1996455 (VCV001996455.4), dbSNP rs2519331544, ClinGen allele CA412339965.